The following is an entry in ClinVar:

ClinVar aggregate classification (germline): Likely pathogenic (1 of 4 stars; one submission).

Submission:

Labcorp Genetics (formerly Invitae), Labcorp
Classification: Likely pathogenic. Last evaluated: 2019-07-04. Review status: criteria provided, single submitter. Criteria: Invitae Variant Classification Sherloc (09022015). Collection method: clinical testing. Allele origin: germline.
Comment: In summary, the currently available evidence indicates that the variant is pathogenic, but additional data are needed to prove that conclusively. Therefore, this variant has been classified as Likely Pathogenic. This variant disrupts the p.Arg565 amino acid residue in ADGRG1. Other variant(s) that disrupt this residue have been determined to be pathogenic (PMID: 19016831, 15044805, 24949629, 28424266, 21349848). This suggests that this residue is clinically significant, and that variants that disrupt this residue are likely to be disease-causing. This variant has not been reported in the literature in individuals with ADGRG1-related conditions. This variant is a gross deletion of the genomic region encompassing exons 7-15 of the ADGRG1 gene. The 5' boundary is likely confined to intron 6. The 3' end of this event is unknown as it extends through the termination codon beyond the assayed region for this gene and may encompass additional genes. While this deletion is not anticipated to result in nonsense mediated decay, it is expected to create a truncated protein product or disrupt mRNA translation.

Literature cited by the submitters: PubMed 19016831; PubMed 15044805; PubMed 24949629; PubMed 28424266; PubMed 21349848.

NC_000016.10:g.(?_57655389)_(57663592_?)del

Gene: ADGRG1 (adhesion G protein-coupled receptor G1; plus strand). Cytogenetic location: 16q21.
Variant type: Deletion.
Identifiers: ClinVar variation 830727 (VCV000830727.7).